The following is an entry in ClinVar:

NM_006424.3(SLC34A2):c.1242G>C (p.Leu414Phe)

Gene: SLC34A2 (solute carrier family 34 member 2; plus strand). Cytogenetic location: 4p15.2.
Variant type: single nucleotide variant.
Coding change: c.1242G>C on transcript NM_006424.3 (MANE Select); coding-DNA position 1242, G replaced by C.
Protein change: p.Leu414Phe; replaces leucine 414 with phenylalanine.
Molecular consequence: missense variant.
Genome position (GRCh38, 1-based): chr4:25,674,321, G>C. VCF-style: chr4-25674321-G-C. GRCh37 (hg19) VCF-style: chr4-25675943-G-C.
Other names: c.1239G>C, p.Leu413Phe (NM_001177998.2, NM_001177999.2); short protein forms L414F, L413F.
Identifiers: ClinVar variation 789280 (VCV000789280.12), dbSNP rs76404281, ClinGen allele CA2879748.

ClinVar aggregate classification (germline): Benign/Likely benign. Review status: criteria provided, multiple submitters, no conflicts (2 of 4 stars). 3 submissions from 3 submitters: Benign (1); Likely benign (1). 1 of the submissions does not count toward it. Last evaluated 2026-01-21.

Conditions:
SLC34A2-related disorder. Also called: SLC34A2-related condition.
PULMONARY ALVEOLAR MICROLITHIASIS. Identifiers: Orphanet 60025, MedGen C0155912, MONDO:0009928, OMIM 265100.

Allele frequency attached by ClinVar (database versions not stated): 1000 Genomes Project 0.00140; 1000 Genomes Project 30x 0.00156; gnomAD exomes 0.00301; ExAC 0.00319; TOPMed 0.00322; ESP Exome Variant Server 0.00415; gnomAD 0.00433.
gnomAD v4.1: 6,547 of 1,614,016 alleles (0.41%); highest among the groups gnomAD compares: Non-Finnish European, 0.51%; 26 homozygotes.

Submissions (3):

Labcorp Genetics (formerly Invitae), Labcorp
Classification: Benign. Last evaluated: 2026-01-21. Review status: criteria provided, single submitter. Criteria: Invitae Variant Classification Sherloc (09022015). Collection method: clinical testing. Allele origin: germline.

Department of Pathology and Laboratory Medicine, Sinai Health System
Classification: Likely benign for PULMONARY ALVEOLAR MICROLITHIASIS. Last evaluated: 2022-01-25. Review status: criteria provided, single submitter. Criteria: ACMG Guidelines, 2015. Collection method: research. Allele origin: germline.

PreventionGenetics, part of Exact Sciences
Classification: Likely benign for SLC34A2-related condition. Last evaluated: 2019-02-24. Review status: no assertion criteria provided. Collection method: clinical testing. Allele origin: germline. Not counted in ClinVar's aggregate classification.
Comment: This variant is classified as likely benign based on ACMG/AMP sequence variant interpretation guidelines (Richards et al. 2015 PMID: 25741868, with internal and published modifications).